The following is an entry in ClinVar:

NM_016151.4(TAOK2):c.3200dup (p.Arg1068fs)

Gene: TAOK2 (TAO kinase 2; plus strand). Cytogenetic location: 16p11.2.
Variant type: Duplication.
Coding change: c.3200dup on transcript NM_016151.4 (MANE Select); coding-DNA position 3200, one base duplicated (G; older notation c.3200dupG).
Protein change: p.Arg1068fs; shifts the reading frame from arginine 1068.
Molecular consequence: frameshift variant. On other transcripts: intron variant (1).
Genome position (GRCh38, 1-based): chr16:29,987,472, G duplicated; the last of 6 consecutive G bases (chr16:29,987,467-29,987,472); duplicating any one gives the same sequence. VCF-style (leftmost placement, unchanged base first): chr16-29987466-C-CG. GRCh37 (hg19) VCF-style: chr16-29998787-C-CG.
Other names: c.2861dup, p.Arg955fs (NM_001252043.2); c.2232+968dup (NM_004783.4); short protein forms R955fs, R1068fs.
Identifiers: ClinVar variation 1382176 (VCV001382176.8), dbSNP rs752509959, ClinGen allele CA7998512.

ClinVar aggregate classification (germline): Uncertain significance (1 of 4 stars; one submission).

Submission:

Labcorp Genetics (formerly Invitae), Labcorp
Classification: Uncertain significance. Last evaluated: 2023-01-05. Review status: criteria provided, single submitter. Criteria: Invitae Variant Classification Sherloc (09022015). Collection method: clinical testing. Allele origin: germline.
Comment: This variant is not present in population databases (gnomAD no frequency). This sequence change creates a premature translational stop signal (p.Arg1068Glnfs*69) in the TAOK2 gene. While this is not anticipated to result in nonsense mediated decay, it is expected to disrupt the last 168 amino acid(s) of the TAOK2 protein. This variant has not been reported in the literature in individuals affected with TAOK2-related conditions. In summary, the available evidence is currently insufficient to determine the role of this variant in disease. Therefore, it has been classified as a Variant of Uncertain Significance. Experimental studies and prediction algorithms are not available or were not evaluated, and the functional significance of this variant is currently unknown. ClinVar contains an entry for this variant (Variation ID: 1382176).